The following is an entry in ClinVar:

ClinVar aggregate classification (germline): Likely benign (1 of 4 stars; one submission).

Allele frequency attached by ClinVar (database versions not stated): ESP Exome Variant Server 0.00008; ExAC 0.00017; TOPMed 0.00022; gnomAD 0.00023; gnomAD exomes 0.00028; 1000 Genomes Project 0.00040; 1000 Genomes Project 30x 0.00047.

Submission:

CeGaT Center for Human Genetics Tuebingen
Classification: Likely benign. Last evaluated: 2024-01-01. Review status: criteria provided, single submitter. Criteria: CeGaT Center For Human Genetics Tuebingen Variant Classification Criteria Version 2. Collection method: clinical testing. Allele origin: germline. Affected: yes. Observed: 1 variant allele.
Comment: ZNF462: BP4, BP7

NM_021224.6(ZNF462):c.627C>T (p.Pro209=)

Gene: ZNF462 (zinc finger protein 462; plus strand). Cytogenetic location: 9q31.2.
Variant type: single nucleotide variant.
Coding change: c.627C>T on transcript NM_021224.6 (MANE Select); coding-DNA position 627, C replaced by T.
Protein change: p.Pro209=; no amino-acid change (proline 209 retained).
Molecular consequence: synonymous variant.
Genome position (GRCh38, 1-based): chr9:106,924,539, C>T. VCF-style: chr9-106924539-C-T. GRCh37 (hg19) VCF-style: chr9-109686820-C-T.
Other names: c.627C>T, p.Pro209= (NM_001347997.2).
Identifiers: ClinVar variation 3024822 (VCV003024822.22), dbSNP rs139468672, ClinGen allele CA5171186.
Genomic context (GRCh38, chr9:106,924,539, plus strand): 5'-GAAGGAGACCACTGCTCCCCCACCTGCTCCTGCTCCAATGCCAGACCCTGTGGTTCCGCC[C>T]GTATCACTGCAGGACCCCTGCAAGGAACTGCCAGCAGAGGTTGTGGAGCGCAGCATCTTA-3'
Protein context (NP_067047.4, residues 199-219): PAPMPDPVVP[Pro209=]VSLQDPCKEL